The following is an entry in ClinVar:

ClinVar aggregate classification (germline): Pathogenic (1 of 4 stars; one submission).

Submission:

Labcorp Genetics (formerly Invitae), Labcorp
Classification: Pathogenic. Last evaluated: 2025-09-30. Review status: criteria provided, single submitter. Criteria: Invitae Variant Classification Sherloc (09022015). Collection method: clinical testing. Allele origin: germline.
Comment: This sequence change creates a premature translational stop signal (p.Glu1254Glyfs*34) in the TUBGCP6 gene. It is expected to result in an absent or disrupted protein product. Loss-of-function variants in TUBGCP6 are known to be pathogenic (PMID: 25344692). This variant is present in population databases (no rsID available, gnomAD 0.0009%). This variant has not been reported in the literature in individuals affected with TUBGCP6-related conditions. ClinVar contains an entry for this variant (Variation ID: 2081305). For these reasons, this variant has been classified as Pathogenic.

Literature cited by the submitters: PubMed 25344692.

NM_020461.4(TUBGCP6):c.3760dup (p.Glu1254fs)

Gene: TUBGCP6 (tubulin gamma complex component 6; minus strand). Cytogenetic location: 22q13.33.
Variant type: Duplication.
Coding change: c.3760dup on transcript NM_020461.4 (MANE Select); coding-DNA position 3760, one base duplicated (G; older notation c.3760dupG).
Protein change: p.Glu1254fs; shifts the reading frame from glutamic acid 1254.
Molecular consequence: frameshift variant.
Genome position (GRCh38, 1-based): chr22:50,220,599, C duplicated on the plus strand (G on the coding strand, the reverse complement: TUBGCP6 is on the minus strand); the first of 5 consecutive C bases (chr22:50,220,599-50,220,603); duplicating any one gives the same sequence. VCF-style (leftmost placement, unchanged base first): chr22-50220598-T-TC. GRCh37 (hg19) VCF-style: chr22-50659027-T-TC.
Other names: short protein forms E1254fs.
Identifiers: ClinVar variation 2081305 (VCV002081305.4), dbSNP rs1206491725, ClinGen allele CA640353759.